The following is an entry in ClinVar:

NM_007050.6(PTPRT):c.3239T>C (p.Ile1080Thr)

Gene: PTPRT (protein tyrosine phosphatase receptor type T; minus strand). Cytogenetic location: 20q12.
Variant type: single nucleotide variant.
Coding change: c.3239T>C on transcript NM_007050.6 (MANE Select); coding-DNA position 3239, T replaced by C.
Protein change: p.Ile1080Thr; replaces isoleucine 1080 with threonine.
Molecular consequence: missense variant.
Genome position (GRCh38, 1-based): chr20:42,110,348, A>G on the plus strand (T>C on the coding strand, the complement: PTPRT is on the minus strand). VCF-style: chr20-42110348-A-G. GRCh37 (hg19) VCF-style: chr20-40738988-A-G.
Other names: c.3296T>C, p.Ile1099Thr (NM_001394024.1, NM_133170.4); c.3263T>C, p.Ile1088Thr (NM_001394025.1); c.3236T>C, p.Ile1079Thr (NM_001394026.1); short protein forms I1099T, I1079T, I1080T, I1088T.
Identifiers: ClinVar variation 4993888 (VCV004993888.1).
Genomic context (GRCh38, chr20:42,110,348, plus strand): 5'-GATCTGCCCGCCTCGGCCTCCCAAGGTGAAGGACCTTTGACTTACCTGCAGTGGACCACT[A>G]TGGGCCCAGCTTCCGGGGGGTTGAGGAACTTGACCTGGCGGACGAAGCCCAGAAGGCCAG-3'
Protein context (NP_008981.4, residues 1070-1090): KFLNPPEAGP[Ile1080Thr]VVHCSAGAGR

ClinVar aggregate classification (germline): Uncertain significance (1 of 4 stars; one submission).

Conditions:
PTPRT-related disorder. Also called: PTPRT-related condition.

gnomAD v4.1: 2 of 1,611,864 alleles (0.00012%); highest among the groups gnomAD compares: Middle Eastern, 0.017%; no homozygotes.

Submission:

PreventionGenetics, part of Exact Sciences
Classification: Uncertain significance for PTPRT-related condition. Last evaluated: 2026-07-20. Review status: criteria provided, single submitter. Criteria: ACMG Guidelines, 2015. Collection method: clinical testing. Allele origin: germline.
Comment: The PTPRT c.3296T>C variant is predicted to result in the amino acid substitution p.Ile1099Thr. To our knowledge, this variant has not been reported in the literature or in a large population database (gnomAD), indicating this variant is rare. At this time, the clinical significance of this variant is uncertain due to the absence of conclusive functional and genetic evidence.